The following is an entry in ClinVar:

NM_053025.4(MYLK):c.1698T>C (p.Ala566=)

Gene: MYLK (myosin light chain kinase; minus strand). Cytogenetic location: 3q21.1.
Variant type: single nucleotide variant.
Coding change: c.1698T>C on transcript NM_053025.4 (MANE Select); coding-DNA position 1698, T replaced by C.
Protein change: p.Ala566=; no amino-acid change (alanine 566 retained).
Molecular consequence: synonymous variant.
Genome position (GRCh38, 1-based): chr3:123,722,234, A>G on the plus strand (T>C on the coding strand, the complement: MYLK is on the minus strand). VCF-style: chr3-123722234-A-G. GRCh37 (hg19) VCF-style: chr3-123441081-A-G.
Other names: c.1170T>C, p.Ala390= (NM_001321309.2); c.1491T>C, p.Ala497= (NM_053026.4, NM_053028.4); c.1698T>C, p.Ala566= (NM_053027.4).
Identifiers: ClinVar variation 669643 (VCV000669643.9), dbSNP rs1576734425, ClinGen allele CA435306067.

ClinVar aggregate classification (germline): Likely benign. Review status: criteria provided, multiple submitters, no conflicts (2 of 4 stars). 3 submissions from 3 submitters: Likely benign (3). Last evaluated 2025-04-13.

Conditions:
Familial thoracic aortic aneurysm and aortic dissection (TAAD). Also called: Thoracic aortic aneurysms and dissections. Identifiers: Orphanet 91387, MedGen C4707243, MONDO:0019625.
Aortic aneurysm, familial thoracic 7 (AAT7). Also called: AORTIC DISSECTION, FAMILIAL, WITH OR WITHOUT AORTIC ANEURYSM. Identifiers: MedGen C3151077, MONDO:0013418, OMIM 613780.

Allele frequency attached by ClinVar (database versions not stated): gnomAD exomes below 0.00001; TOPMed 0.00001.
gnomAD v4.1: 3 of 1,564,968 alleles (0.00019%); highest among the groups gnomAD compares: Non-Finnish European, 0.00017%; no homozygotes.

Submissions (3):

Labcorp Genetics (formerly Invitae), Labcorp
Classification: Likely benign for Aortic aneurysm, familial thoracic 7. Last evaluated: 2025-04-13. Review status: criteria provided, single submitter. Criteria: Invitae Variant Classification Sherloc (09022015). Collection method: clinical testing. Allele origin: germline.

Ambry Genetics
Classification: Likely benign for Familial thoracic aortic aneurysm and aortic dissection. Last evaluated: 2025-03-02. Review status: criteria provided, single submitter. Criteria: Ambry Variant Classification Scheme 2023. Collection method: clinical testing. Allele origin: germline.

GeneDx
Classification: Likely benign. Last evaluated: 2018-06-13. Review status: criteria provided, single submitter. Criteria: GeneDx Variant Classification (06012015). Collection method: clinical testing. Allele origin: germline. Affected: yes.
Comment: This variant is considered likely benign or benign based on one or more of the following criteria: it is a conservative change, it occurs at a poorly conserved position in the protein, it is predicted to be benign by multiple in silico algorithms, and/or has population frequency not consistent with disease.